The following continues an entry in ClinVar:

NM_018026.4(PACS1):c.607C>T (p.Arg203Trp)

Gene: PACS1. ClinVar aggregate classification (germline): Pathogenic/Likely pathogenic. Pathogenic (48); Likely pathogenic (1).

Submissions 11 to 26 of 60:

New York Genome Center
Classification: Pathogenic for Schuurs-Hoeijmakers syndrome. Last evaluated: 2024-08-23. Review status: criteria provided, single submitter. Criteria: NYGC Assertion Criteria 2020. Collection method: clinical testing. Allele origin: de novo. Affected: yes. Observed: 2 variant alleles, 2 heterozygotes. Clinical features observed: Increased nuchal translucency (HP:0010880), Thickened nuchal skin fold (HP:0000474), Hyperechogenic kidneys (HP:0004719), Abnormal facial shape (HP:0001999), Single umbilical artery (HP:0001195), Seizure (HP:0001250), Intellectual disability (HP:0001249), Autism (HP:0000717), Atrial septal defect (HP:0001631), Glanular hypospadias (HP:0000807), Neurodevelopmental delay (HP:0012758), Epicanthus (HP:0000286). Study: CSER-NYCKidSeq.
Comment: The de novo, heterozygous c.607C>T, p.(Arg203Trp) variant identified in the PACS1 gene is a recurrent pathogenic variant that has been reported inmany individuals in the literature with Schuurs-Hoeijmakers syndrome [PMID:23159249, 28628100, 29550517, 30113927, 33166031, 30712880, 31330568,34068396]. The variant is identified in a single individual in population database gnomADv4.1.0 with low variant allele fraction suggesting possible mosaicism in that individual (allele frequency:6.197e-7, 0 homozygotes) which demonstrates that the c.607C>T, p.(Arg203Trp) variant is not a common variant in population databases.This variant is reported as Pathogenic/Likely Pathogenic in ClinVar with more than 30 submissions and no conflicts (VarID:39581) and functional studies suggest itacts via a dominant-negative mechanism and leads to cytoplasmic aggregation in animal and in vitro models [PMID:23159249]. Given the available evidence the de novo heterozygous c.607C>T, p.(Arg203Trp) variant identified in the PACS1 gene is reported here as Pathogenic.

Institute of Human Genetics, University of Leipzig Medical Center
Classification: Pathogenic for Schuurs-Hoeijmakers syndrome. Last evaluated: 2024-01-16. Review status: criteria provided, single submitter. Criteria: ACMG Guidelines, 2015. Collection method: clinical testing. Allele origin: unknown. Inheritance: Autosomal dominant inheritance. Affected: yes.
Comment: Criteria applied: PS2_VSTR,PS4,PM2_SUP,PP2

Daryl Scott Lab, Baylor College of Medicine
Classification: Pathogenic for Schuurs-Hoeijmakers syndrome. Last evaluated: 2023-11-10. Review status: criteria provided, single submitter. Criteria: ACMG Guidelines, 2015. Collection method: clinical testing. Allele origin: de novo. Affected: yes. Observed: 3 heterozygotes.

Revvity Omics, Revvity
Classification: Pathogenic for Schuurs-Hoeijmakers syndrome. Last evaluated: 2023-07-30. Review status: criteria provided, single submitter. Criteria: ACMG Guidelines, 2015. Collection method: clinical testing. Allele origin: germline.

Institute of Human Genetics Munich, TUM University Hospital
Classification: Pathogenic for Schuurs-Hoeijmakers syndrome. Last evaluated: 2023-02-23. Review status: criteria provided, single submitter. Criteria: Classification criteria August 2017. Collection method: clinical testing. Allele origin: de novo. Inheritance: Autosomal dominant inheritance. Affected: yes. Observed: 1 variant allele.

Institute for Clinical Genetics, University Hospital TU Dresden, University Hospital TU Dresden
Classification: Likely pathogenic. Last evaluated: 2023-02-08. Review status: criteria provided, single submitter. Criteria: ACMG Guidelines, 2015. Collection method: clinical testing. Allele origin: germline.
Comment: PS4, PM2_SUP, PP2

Baylor Genetics
Classification: Pathogenic for Schuurs-Hoeijmakers syndrome. Last evaluated: 2022-12-13. Review status: criteria provided, single submitter. Criteria: ACMG Guidelines, 2015. Collection method: clinical testing. Allele origin: unknown.

Laboratory of Molecular Genetics (Pr. Bezieau's lab), CHU de Nantes
Classification: Pathogenic for Neurodevelopmental disorder. Last evaluated: 2022-11-07. Review status: criteria provided, single submitter. Criteria: ACMG Guidelines, 2015. Collection method: clinical testing. Allele origin: germline. Affected: yes.

Eurofins-Biomnis
Classification: Pathogenic for Schuurs-Hoeijmakers syndrome. Last evaluated: 2022-10-20. Review status: criteria provided, single submitter. Criteria: Accession Criteria ClinVar Biomnis. Collection method: clinical testing. Allele origin: germline. Affected: yes. Observed: 1 heterozygote.

Ambry Genetics
Classification: Pathogenic for Inborn genetic diseases. Last evaluated: 2022-10-04. Review status: criteria provided, single submitter. Criteria: Ambry Variant Classification Scheme 2023. Collection method: clinical testing. Allele origin: germline.
Comment: The c.607C>T (p.R203W) alteration is located in coding exon 4 of the PACS1 gene. This alteration results from a C to T substitution at nucleotide position 607, causing the arginine (R) at amino acid position 203 to be replaced by a tryptophan (W). Based on data from gnomAD, the T allele has an overall frequency of 0.001% (1/152152) total alleles studied. The highest observed frequency was 0.002% (1/41434) of African/African American alleles. This one allele was reported with low allele balance (0.2-0.25). This recurrent de novo alteration has been reported in multiple individuals with Schuurs-Hoeijmakers syndrome, with commonly reported features including developmental delay/intellectual disability, dysmorphic facial features, seizures, and other congenital malformations (Schurrs-Hoeijmakers, 2016; Deciphering Developmental Disorders Study, 2017; Stern, 2017; Gadzicki, 2015; Tenorio-Casta&ntilde;o, 2021). This amino acid position is highly conserved in available vertebrate species. The p.R203W substitution is positioned in the furin (cargo)-binding region of PACS1, which lies directly adjacent to the R196RKRY CK2-binding motif. This motif regulates phosphorylation status of the autoregulatory domain and PACS1 gene activation (Shuurs-Hoeijmakers, 2012). Functional analysis in zebrafish embryos with overexpression of mutant mRNA with this alteration demonstrated a significant reduction in cranial cartilaginous structures at the ventral aspect. In addition, overexpression of this altered protein resulted in defective migration of cranial-neural-crest cells in the head. Studies in human embryonic kidney cells demonstrated that expression of mutant PACS1 remains more stable than the wild-type protein leading to observed cellular aggregates (Shuurs-Hoeijmakers, 2012). The in silico prediction for this alteration is inconclusive. Based on the available evidence, this alteration is classified as pathogenic.

Dasa
Classification: Pathogenic for Schuurs-Hoeijmakers syndrome. Last evaluated: 2022-06-10. Review status: criteria provided, single submitter. Criteria: ACMG Guidelines, 2015. Collection method: clinical testing. Allele origin: germline. Affected: yes. Observed: 1 variant allele.
Comment: The c.607C>T;p.(Arg203Trp) missense change has been observed in affected individual(s) and ClinVar contains an entry for this variant (Clinvar ID: 39581; PMID: 23159249; 25522177; 26795593; 26842493; 28111752; 30588754) - PS4.Well-established in vitro or in vivo functional studies supportive of a damaging effect on the gene or gene product (PMID: 23159249) - PS3_supporting. The variant is present at low allele frequencies population databases (rs398123009– gnomAD 0.00006572%; ABraOM no frequency) -PM2_supporting. The variant was assumed de novo, but without confirmation of paternity and maternity (PMID: 23159249; 25522177; 33166031) PM6_strong. In summary, the currently available evidence indicates that the variant is Pathogenic

GeneDx
Classification: Pathogenic. Last evaluated: 2022-04-15. Review status: criteria provided, single submitter. Criteria: GeneDx Variant Classification Process June 2021. Collection method: clinical testing. Allele origin: germline. Affected: yes.
Comment: Published functional studies indicate that the R203W variant perturbs normal PACS1 function by forming cytoplasmic aggregates, resulting in altered protein-trafficking, possibly suggesting a dominant-negative effect on the protein (Schuurs-Hoeijmakers et al., 2012); In silico analysis, which includes protein predictors and evolutionary conservation, supports a deleterious effect; Not observed at significant frequency in large population cohorts (gnomAD); This variant is associated with the following publications: (PMID: 25533962, 28135719, 25356970, 27959697, 26842493, 29656858, 23159249, 26795593, 26944241, 28111752, 28554332, 28628100, 28867141, 27875746, 30690871, 30588754, 30113927, 31330568, 25522177, 28975623, 28471432, 31988453, 30577886, 32963807, 33166031, 33333793, 30755392, 33144682, 32903913, 33726816, 34068396, 31785789)

Laboratorio de Genetica e Diagnostico Molecular, Hospital Israelita Albert Einstein
Classification: Pathogenic. Last evaluated: 2021-12-07. Review status: criteria provided, single submitter. Criteria: ACMG Guidelines, 2015. Collection method: clinical testing. Allele origin: germline. Affected: yes.
Comment: ACMG classification criteria: PS3, PS4, PM2, PM6, PP2

AURAGEN, Plan France Médecine Génomique
Classification: Pathogenic for Multiple congenital anomalies/dysmorphic syndrome-intellectual disability. Last evaluated: 2021-09-13. Review status: criteria provided, single submitter. Criteria: PFMG2025 (Lancet Reg Health Eur. 2025). Collection method: clinical testing. Allele origin: germline. Affected: yes.

CENTOGENE GmbH and LLC - Guiding Precision Medicine
Classification: Pathogenic for Schuurs-Hoeijmakers syndrome. Last evaluated: 2021-05-11. Review status: criteria provided, single submitter. Criteria: ACMG Guidelines, 2015. Collection method: clinical testing. Allele origin: germline. Affected: yes.

Cytogénomique, Hospices Civils de Lyon
Classification: Pathogenic for Intellectual disability. Last evaluated: 2021-03-08. Review status: criteria provided, single submitter. Criteria: ACMG Guidelines, 2015. Collection method: clinical testing. Allele origin: de novo. Inheritance: Sporadic. Affected: yes.
Comment: Recurrent pathogenics PACS1 variant.